The following is an entry in ClinVar:

ClinVar aggregate classification (germline): Uncertain significance. Review status: criteria provided, multiple submitters, no conflicts (2 of 4 stars). 2 submissions from 2 submitters: Uncertain significance (2). Last evaluated 2025-04-17.

Conditions:
Developmental and epileptic encephalopathy, 11 (DEE11). Also called: Early infantile epileptic encephalopathy 11. Identifiers: Orphanet 1934, MedGen C3150987, MONDO:0013388, OMIM 613721.
Seizures, benign familial infantile, 3 (BFIS3). Also called: Familial neonatal seizures; CONVULSIONS, BENIGN FAMILIAL INFANTILE, 3. Identifiers: Orphanet 140927, Orphanet 306, MedGen C1843140, MONDO:0011904, OMIM 607745.
Inborn genetic diseases. Identifiers: MedGen C0950123, MeSH D030342.

Allele frequency attached by ClinVar (database versions not stated): gnomAD exomes below 0.00001.
gnomAD v4.1: 1 of 1,613,846 alleles (0.000062%); highest among the groups gnomAD compares: East Asian, 0.0022%; no homozygotes.

Submissions (2):

Ambry Genetics
Classification: Uncertain significance for Inborn genetic diseases. Last evaluated: 2025-04-17. Review status: criteria provided, single submitter. Criteria: Ambry Variant Classification Scheme 2023. Collection method: clinical testing. Allele origin: germline.
Comment: The c.2266G>A (p.V756I) alteration is located in exon 14 (coding exon 13) of the SCN2A gene. This alteration results from a G to A substitution at nucleotide position 2266, causing the valine (V) at amino acid position 756 to be replaced by an isoleucine (I). This variant was not reported in population-based cohorts in the Genome Aggregation Database (gnomAD). This amino acid position is highly conserved in available vertebrate species. This alteration is predicted to be deleterious by in silico analysis. Based on insufficient or conflicting evidence, the clinical significance of this alteration remains unclear.

Labcorp Genetics (formerly Invitae), Labcorp
Classification: Uncertain significance for Seizures, benign familial infantile, 3; Developmental and epileptic encephalopathy, 11. Last evaluated: 2023-10-10. Review status: criteria provided, single submitter. Criteria: Invitae Variant Classification Sherloc (09022015). Collection method: clinical testing. Allele origin: germline.
Comment: This sequence change replaces valine, which is neutral and non-polar, with isoleucine, which is neutral and non-polar, at codon 756 of the SCN2A protein (p.Val756Ile). This variant is not present in population databases (gnomAD no frequency). This variant has not been reported in the literature in individuals affected with SCN2A-related conditions. Advanced modeling of protein sequence and biophysical properties (such as structural, functional, and spatial information, amino acid conservation, physicochemical variation, residue mobility, and thermodynamic stability) performed at Invitae indicates that this missense variant is expected to disrupt SCN2A protein function. In summary, the available evidence is currently insufficient to determine the role of this variant in disease. Therefore, it has been classified as a Variant of Uncertain Significance.

NM_001040142.2(SCN2A):c.2266G>A (p.Val756Ile)

Gene: SCN2A (sodium voltage-gated channel alpha subunit 2; plus strand). Cytogenetic location: 2q24.3.
Variant type: single nucleotide variant.
Coding change: c.2266G>A on transcript NM_001040142.2 (MANE Select); coding-DNA position 2266, G replaced by A.
Protein change: p.Val756Ile; replaces valine 756 with isoleucine.
Molecular consequence: missense variant.
Genome position (GRCh38, 1-based): chr2:165,331,446, G>A. VCF-style: chr2-165331446-G-A. GRCh37 (hg19) VCF-style: chr2-166187956-G-A.
Other names: c.2266G>A (NM_021007.2); c.2266G>A, p.Val756Ile (NM_001040143.2, NM_001371246.1, NM_001371247.1 and 1 more transcripts); short protein forms V756I.
Identifiers: ClinVar variation 2951611 (VCV002951611.4), dbSNP rs2467961885, ClinGen allele CA349031044.
Genomic context (GRCh38, chr2:165,331,446, plus strand): 5'-TGTTTGATTTGGGACTGTTGTAAACCATGGTTAAAGGTGAAACACCTTGTCAACCTGGTT[G>A]TAATGGACCCATTTGTTGACCTGGCCATCACCATCTGCATTGTCTTAAATACACTCTTCA-3'
Protein context (NP_001035232.1, residues 746-766): LKVKHLVNLV[Val756Ile]MDPFVDLAIT